The following is an entry in ClinVar:

NM_014889.4(PITRM1):c.2294T>A (p.Leu765His)

Genes: PITRM1 (pitrilysin metallopeptidase 1; minus strand), PITRM1-AS1 (PITRM1 antisense RNA 1; plus strand). Cytogenetic location: 10p15.2.
Variant type: single nucleotide variant.
Coding change: c.2294T>A on transcript NM_014889.4 (MANE Select); coding-DNA position 2294, T replaced by A.
Protein change: p.Leu765His; replaces leucine 765 with histidine.
Molecular consequence: missense variant. On other transcripts: non-coding transcript variant (5).
Genome position (GRCh38, 1-based): chr10:3,147,192, A>T on the plus strand (T>A on the coding strand, the complement: PITRM1 is on the minus strand). VCF-style: chr10-3147192-A-T. GRCh37 (hg19) VCF-style: chr10-3189384-A-T.
Other names: c.2072T>A, p.Leu691His (NM_001347730.1); c.2297T>A, p.Leu766His (NM_001242307.2); c.2000T>A, p.Leu667His (NM_001242309.1); c.2096T>A, p.Leu699His (NM_001347725.2); c.1481T>A, p.Leu494His (NM_001347726.2); c.1679T>A, p.Leu560His (NM_001347727.2); c.989T>A, p.Leu330His (NM_001347728.2); c.2270T>A, p.Leu757His (NM_001347729.1); short protein forms L691H, L699H, L494H, L330H, L560H, L765H, L766H, L667H.
Identifiers: ClinVar variation 5026726 (VCV005026726.1).

ClinVar aggregate classification (germline): Uncertain significance (1 of 4 stars; one submission).

gnomAD v4.1: 4 of 1,610,626 alleles (0.00025%); highest among the groups gnomAD compares: African/African-American, 0.0053%; no homozygotes.

Submission:

Ambry Genetics
Classification: Uncertain significance. Last evaluated: 2026-07-19. Review status: criteria provided, single submitter. Criteria: Ambry Variant Classification Scheme 2023. Collection method: clinical testing. Allele origin: germline.
Comment: The c.2297T>A (p.L766H) alteration is located in exon 20 (coding exon 20) of the PITRM1 gene. This alteration results from a T to A substitution at nucleotide position 2297, causing the leucine (L) at amino acid position 766 to be replaced by a histidine (H). Based on data from gnomAD, the A allele has an overall frequency of 0.001% (2/249164) total alleles studied. The highest observed frequency was 0.013% (2/15482) of African alleles. Based on insufficient or conflicting evidence, the clinical significance of this alteration remains unclear.